The following is an entry in ClinVar:

ClinVar aggregate classification (germline): Likely benign (1 of 4 stars; one submission).

Submission:

CeGaT Center for Human Genetics Tuebingen
Classification: Likely benign. Last evaluated: 2026-07-01. Review status: criteria provided, single submitter. Criteria: CeGaT Center For Human Genetics Tuebingen Variant Classification Criteria Version 2. Collection method: clinical testing. Allele origin: germline. Affected: yes. Observed: 1 variant allele.
Comment: MED13: BP4

NM_005121.3(MED13):c.2346C>T (p.Asp782=)

Gene: MED13 (mediator complex subunit 13; minus strand). Cytogenetic location: 17q23.2.
Variant type: single nucleotide variant.
Coding change: c.2346C>T on transcript NM_005121.3 (MANE Select); coding-DNA position 2346, C replaced by T.
Protein change: p.Asp782=; no amino-acid change (aspartic acid 782 retained).
Molecular consequence: synonymous variant.
Genome position (GRCh38, 1-based): chr17:61,987,046, G>A on the plus strand (C>T on the coding strand, the complement: MED13 is on the minus strand). VCF-style: chr17-61987046-G-A. GRCh37 (hg19) VCF-style: chr17-60064407-G-A.
Identifiers: ClinVar variation 5039553 (VCV005039553.1).